The following is an entry in ClinVar:

NM_001844.5(COL2A1):c.3591C>T (p.Gly1197=)

Gene: COL2A1 (collagen type II alpha 1 chain; minus strand). Cytogenetic location: 12q13.11.
Variant type: single nucleotide variant.
Coding change: c.3591C>T on transcript NM_001844.5 (MANE Select); coding-DNA position 3591, C replaced by T.
Protein change: p.Gly1197=; no amino-acid change (glycine 1197 retained).
Molecular consequence: synonymous variant.
Genome position (GRCh38, 1-based): chr12:47,975,969, G>A on the plus strand (C>T on the coding strand, the complement: COL2A1 is on the minus strand). VCF-style: chr12-47975969-G-A. GRCh37 (hg19) VCF-style: chr12-48369752-G-A.
Other names: c.3384C>T, p.Gly1128= (NM_033150.3).
Identifiers: ClinVar variation 512817 (VCV000512817.1), dbSNP rs1793950, ClinGen allele CA236517613.

ClinVar aggregate classification (germline): Likely benign (1 of 4 stars; one submission).

Allele frequency attached by ClinVar (database versions not stated): TOPMed 0.00001.

Submission:

GeneDx
Classification: Likely benign. Last evaluated: 2017-10-18. Review status: criteria provided, single submitter. Criteria: GeneDx Variant Classification (06012015). Collection method: clinical testing. Allele origin: germline. Affected: yes.
Comment: This variant is considered likely benign or benign based on one or more of the following criteria: it is a conservative change, it occurs at a poorly conserved position in the protein, it is predicted to be benign by multiple in silico algorithms, and/or has population frequency not consistent with disease.